The following is an entry in ClinVar:

ClinVar aggregate classification (germline): Uncertain significance. Review status: criteria provided, multiple submitters, no conflicts (2 of 4 stars). 2 submissions from 2 submitters: Uncertain significance (2). Last evaluated 2025-04-09.

Conditions:
RASopathy. Also called: Noonan spectrum disorder; rasopathies. Identifiers: Orphanet 536391, MedGen C5555857, MONDO:0021060.
Cardiovascular phenotype. Identifiers: MedGen CN230736.

Allele frequency attached by ClinVar (database versions not stated): gnomAD exomes below 0.00001; gnomAD 0.00001; TOPMed 0.00001.
gnomAD v4.1: 4 of 1,612,526 alleles (0.00025%); highest among the groups gnomAD compares: Non-Finnish European, 0.00034%; no homozygotes.

Submissions (2):

Molecular Diagnostic Laboratory for Inherited Cardiovascular Disease, Montreal Heart Institute
Classification: Uncertain significance for Cardiovascular phenotype. Last evaluated: 2025-04-09. Review status: criteria provided, single submitter. Criteria: ACMG Guidelines, 2015. Collection method: clinical testing. Allele origin: germline. Affected: yes.

Labcorp Genetics (formerly Invitae), Labcorp
Classification: Uncertain significance for RASopathy. Last evaluated: 2023-06-04. Review status: criteria provided, single submitter. Criteria: Invitae Variant Classification Sherloc (09022015). Collection method: clinical testing. Allele origin: germline.
Comment: In summary, the available evidence is currently insufficient to determine the role of this variant in disease. Therefore, it has been classified as a Variant of Uncertain Significance. This sequence change replaces proline, which is neutral and non-polar, with alanine, which is neutral and non-polar, at codon 225 of the RAF1 protein (p.Pro225Ala). This variant is present in population databases (no rsID available, gnomAD 0.0009%). This variant has not been reported in the literature in individuals affected with RAF1-related conditions. Advanced modeling of protein sequence and biophysical properties (such as structural, functional, and spatial information, amino acid conservation, physicochemical variation, residue mobility, and thermodynamic stability) has been performed at Invitae for this missense variant, however the output from this modeling did not meet the statistical confidence thresholds required to predict the impact of this variant on RAF1 protein function.

NM_002880.4(RAF1):c.673C>G (p.Pro225Ala)

Gene: RAF1 (Raf-1 proto-oncogene, serine/threonine kinase; minus strand). Cytogenetic location: 3p25.2.
Variant type: single nucleotide variant.
Coding change: c.673C>G on transcript NM_002880.4 (MANE Select); coding-DNA position 673, C replaced by G.
Protein change: p.Pro225Ala; replaces proline 225 with alanine.
Molecular consequence: missense variant. On other transcripts: non-coding transcript variant (3), intron variant (2).
Genome position (GRCh38, 1-based): chr3:12,606,208, G>C on the plus strand (C>G on the coding strand, the complement: RAF1 is on the minus strand). VCF-style: chr3-12606208-G-C. GRCh37 (hg19) VCF-style: chr3-12647707-G-C.
Other names: c.673C>G, p.Pro225Ala (NM_001354689.3, NM_001354690.3); c.430C>G, p.Pro144Ala (NM_001354691.3, NM_001354692.3, NM_001354694.3); c.339-1919C>G (NM_001354695.3); c.582-1919C>G (NM_001354693.3); short protein forms P225A, P144A.
Identifiers: ClinVar variation 2883640 (VCV002883640.4), dbSNP rs1162264411, ClinGen allele CA351514208.